The following is an entry in ClinVar:

NM_001077525.3(MTMR14):c.853G>A (p.Asp285Asn)

Gene: MTMR14 (myotubularin related protein 14; plus strand). Cytogenetic location: 3p25.3.
Variant type: single nucleotide variant.
Coding change: c.853G>A on transcript NM_001077525.3 (MANE Select); coding-DNA position 853, G replaced by A.
Protein change: p.Asp285Asn; replaces aspartic acid 285 with asparagine.
Molecular consequence: missense variant. On other transcripts: non-coding transcript variant (4), intron variant (12).
Genome position (GRCh38, 1-based): chr3:9,678,014, G>A. VCF-style: chr3-9678014-G-A. GRCh37 (hg19) VCF-style: chr3-9719698-G-A.
Other names: c.571G>A, p.Asp191Asn (NM_001400532.1, NM_001400525.1, NM_001400529.1); c.211G>A, p.Asp71Asn (NM_001400533.1, NM_001400534.1, NM_001400535.1 and 7 more transcripts); c.853G>A, p.Asp285Asn (NM_022485.5, NM_001077526.3); c.891+627G>A (NM_001400526.1); c.822+627G>A (NM_001400520.1, NM_001400523.1, NM_001400528.1); c.37-5164G>A (NM_001400547.1, NM_001400548.1, NM_001400544.1 and 1 more transcripts); c.180+627G>A (NM_001400538.1, NM_001400549.1); c.576+627G>A (NM_001400536.1); and 5 more; short protein forms D284N, D308N, D202N, D203N, D285N, D191N, D71N.
Identifiers: ClinVar variation 2756771 (VCV002756771.3), dbSNP rs747897774, ClinGen allele CA2240488.

ClinVar aggregate classification (germline): Uncertain significance (1 of 4 stars; one submission).

Allele frequency attached by ClinVar (database versions not stated): ExAC 0.00001; gnomAD exomes 0.00001; gnomAD 0.00002; TOPMed 0.00002.
gnomAD v4.1: 25 of 1,613,826 alleles (0.0015%); highest among the groups gnomAD compares: African/African-American, 0.0053%; no homozygotes.

Submission:

Labcorp Genetics (formerly Invitae), Labcorp
Classification: Uncertain significance. Last evaluated: 2023-02-20. Review status: criteria provided, single submitter. Criteria: Invitae Variant Classification Sherloc (09022015). Collection method: clinical testing. Allele origin: germline.
Comment: This sequence change replaces aspartic acid, which is acidic and polar, with asparagine, which is neutral and polar, at codon 285 of the MTMR14 protein (p.Asp285Asn). This variant is present in population databases (rs747897774, gnomAD 0.004%). This variant has not been reported in the literature in individuals affected with MTMR14-related conditions. Advanced modeling of protein sequence and biophysical properties (such as structural, functional, and spatial information, amino acid conservation, physicochemical variation, residue mobility, and thermodynamic stability) performed at Invitae indicates that this missense variant is not expected to disrupt MTMR14 protein function. In summary, the available evidence is currently insufficient to determine the role of this variant in disease. Therefore, it has been classified as a Variant of Uncertain Significance.